The following is an entry in ClinVar:

ClinVar aggregate classification (germline): Uncertain significance. Review status: criteria provided, multiple submitters, no conflicts (2 of 4 stars). 5 submissions from 5 submitters: Uncertain significance (5). Last evaluated 2025-12-09.

Conditions:
DST-related disorder. Also called: DST-related disorders; DST-related condition.
Inborn genetic diseases. Identifiers: MedGen C0950123, MeSH D030342.
Hereditary sensory and autonomic neuropathy type 6. Also called: Neuropathy, hereditary sensory and autonomic, type VI; HSAN VI. Identifiers: Orphanet 314381, MedGen C3539003, MONDO:0013839, OMIM 614653.
Epidermolysis bullosa simplex 3, localized or generalized intermediate, with BP230 deficiency (EBS3). Also called: Epidermolysis bullosa simplex, autosomal recessive 2; Epidermolysis bullosa simplex due to BP230 deficiency. Identifiers: Orphanet 412181, MedGen C3809470, MONDO:0014180, OMIM 615425.

Allele frequency attached by ClinVar (database versions not stated): ExAC 0.00004; gnomAD exomes 0.00006; gnomAD 0.00009 and 0.00010; TOPMed 0.00011.
gnomAD v4.1: 193 of 1,607,506 alleles (0.012%); highest among the groups gnomAD compares: Middle Eastern, 0.016%; no homozygotes.

Submissions (5):

PreventionGenetics, part of Exact Sciences
Classification: Uncertain significance for DST-related condition. Last evaluated: 2025-12-09. Review status: criteria provided, single submitter. Criteria: ACMG Guidelines, 2015. Collection method: clinical testing. Allele origin: germline.
Comment: The DST c.6602C>T variant is predicted to result in the amino acid substitution p.Thr2201Met. To our knowledge, this variant has not been reported in the literature. This variant is reported in 0.017% of alleles in individuals of East Asian descent in gnomAD. At this time, the clinical significance of this variant is uncertain due to the absence of conclusive functional and genetic evidence.

Mayo Clinic Laboratories, Mayo Clinic
Classification: Uncertain significance. Last evaluated: 2023-06-01. Review status: criteria provided, single submitter. Criteria: ACMG Guidelines, 2015. Collection method: clinical testing. Allele origin: germline. Observed: 2 variant alleles.
Comment: BP4

CeGaT Center for Human Genetics Tuebingen
Classification: Uncertain significance. Last evaluated: 2022-09-01. Review status: criteria provided, single submitter. Criteria: CeGaT Center For Human Genetics Tuebingen Variant Classification Criteria Version 2. Collection method: clinical testing. Allele origin: germline. Affected: yes. Observed: 1 variant allele.
Comment: DST: PM2:Supporting, BP4

Labcorp Genetics (formerly Invitae), Labcorp
Classification: Uncertain significance for Epidermolysis bullosa simplex 3, localized or generalized intermediate, with BP230 deficiency; Hereditary sensory and autonomic neuropathy type 6. Last evaluated: 2022-07-12. Review status: criteria provided, single submitter. Criteria: Invitae Variant Classification Sherloc (09022015). Collection method: clinical testing. Allele origin: germline.
Comment: The DST gene has multiple clinically relevant transcripts. This variant occurs in alternate transcript NM_015548.4, and corresponds to NM_001723.5:c.*36635C>T in the primary transcript. This sequence change replaces threonine, which is neutral and polar, with methionine, which is neutral and non-polar, at codon 1697 of the DST protein (p.Thr1697Met). This variant is present in population databases (rs544327450, gnomAD 0.02%). This variant has not been reported in the literature in individuals affected with DST-related conditions. ClinVar contains an entry for this variant (Variation ID: 967472). Experimental studies and prediction algorithms are not available or were not evaluated, and the functional significance of this variant is currently unknown. In summary, the available evidence is currently insufficient to determine the role of this variant in disease. Therefore, it has been classified as a Variant of Uncertain Significance.

Ambry Genetics
Classification: Uncertain significance for Inborn genetic diseases. Last evaluated: 2022-04-12. Review status: criteria provided, single submitter. Criteria: Ambry Variant Classification Scheme 2023. Collection method: clinical testing. Allele origin: germline.
Comment: The p.T2201M variant (also known as c.6602C>T), located in coding exon 44 of the DST gene, results from a C to T substitution at nucleotide position 6602. The threonine at codon 2201 is replaced by methionine, an amino acid with similar properties. This amino acid position is not well conserved in available vertebrate species. In addition, this alteration is predicted to be tolerated by in silico analysis. Since supporting evidence is limited at this time, the clinical significance of this alteration remains unclear.

NM_001374736.1(DST):c.12959C>T (p.Thr4320Met)

Gene: DST (dystonin; minus strand). Cytogenetic location: 6p12.1.
Variant type: single nucleotide variant.
Coding change: c.12959C>T on transcript NM_001374736.1 (MANE Select); coding-DNA position 12959, C replaced by T.
Protein change: p.Thr4320Met; replaces threonine 4320 with methionine.
Molecular consequence: missense variant.
Genome position (GRCh38, 1-based): chr6:56,578,882, G>A on the plus strand (C>T on the coding strand, the complement: DST is on the minus strand). VCF-style: chr6-56578882-G-A. GRCh37 (hg19) VCF-style: chr6-56443680-G-A.
Other names: c.6602C>T, p.Thr2201Met (NM_001144769.5); c.6188C>T, p.Thr2063Met (NM_001144770.2); c.12959C>T, p.Thr4320Met (NM_001374722.1); c.12326C>T, p.Thr4109Met (NM_001374729.1); c.6068C>T, p.Thr2023Met (NM_001374730.1, NM_183380.4); c.12986C>T, p.Thr4329Met (NM_001374734.1); c.5090C>T, p.Thr1697Met (NM_015548.5); short protein forms T2023M, T2063M, T4109M, T4320M, T2201M, T1697M, T4329M.
Identifiers: ClinVar variation 967472 (VCV000967472.37), dbSNP rs544327450, ClinGen allele CA3868326.